The following is an entry in ClinVar:

ClinVar aggregate classification (germline): Uncertain significance (1 of 4 stars; one submission).

gnomAD v4.1: 42 of 1,229,228 alleles (0.0034%); highest among the groups gnomAD compares: Non-Finnish European, 0.0041%; no homozygotes.

Submission:

Labcorp Genetics (formerly Invitae), Labcorp
Classification: Uncertain significance. Last evaluated: 2023-06-15. Review status: criteria provided, single submitter. Criteria: Invitae Variant Classification Sherloc (09022015). Collection method: clinical testing. Allele origin: germline.
Comment: In summary, the available evidence is currently insufficient to determine the role of this variant in disease. Therefore, it has been classified as a Variant of Uncertain Significance. Algorithms developed to predict the effect of missense changes on protein structure and function output the following: SIFT: "Not Available"; PolyPhen-2: "Benign"; Align-GVGD: "Not Available". The serine amino acid residue is found in multiple mammalian species, which suggests that this missense change does not adversely affect protein function. This variant has not been reported in the literature in individuals affected with MATN3-related conditions. This variant is not present in population databases (gnomAD no frequency). This sequence change replaces glycine, which is neutral and non-polar, with serine, which is neutral and polar, at codon 59 of the MATN3 protein (p.Gly59Ser).

NM_002381.5(MATN3):c.175G>A (p.Gly59Ser)

Gene: MATN3 (matrilin 3; minus strand). Cytogenetic location: 2p24.1.
Variant type: single nucleotide variant.
Coding change: c.175G>A on transcript NM_002381.5 (MANE Select); coding-DNA position 175, G replaced by A.
Protein change: p.Gly59Ser; replaces glycine 59 with serine.
Molecular consequence: missense variant.
Genome position (GRCh38, 1-based): chr2:20,012,457, C>T on the plus strand (G>A on the coding strand, the complement: MATN3 is on the minus strand). VCF-style: chr2-20012457-C-T. GRCh37 (hg19) VCF-style: chr2-20212218-C-T.
Other names: short protein forms G59S.
Identifiers: ClinVar variation 2955287 (VCV002955287.3), dbSNP rs1046832179, ClinGen allele CA43407990.